The following is an entry in ClinVar:

NM_001394062.1(MACF1):c.15032G>A (p.Arg5011Lys)

Genes: MACF1 (microtubule actin crosslinking factor 1; plus strand), LOC114803468 (MACF1 eExon liver enhancer; plus strand). Cytogenetic location: 1p34.3.
Variant type: single nucleotide variant.
Coding change: c.15032G>A on transcript NM_001394062.1 (MANE Select); coding-DNA position 15032, G replaced by A.
Protein change: p.Arg5011Lys; replaces arginine 5011 with lysine.
Molecular consequence: missense variant.
Genome position (GRCh38, 1-based): chr1:39,387,874, G>A. VCF-style: chr1-39387874-G-A. GRCh37 (hg19) VCF-style: chr1-39853546-G-A.
Other names: c.8846G>A, p.Arg2949Lys (NM_012090.5); short protein forms R2949K, R5011K.
Identifiers: ClinVar variation 3251770 (VCV003251770.2), dbSNP rs746856371.

ClinVar aggregate classification (germline): Uncertain significance. Review status: criteria provided, multiple submitters, no conflicts (2 of 4 stars). 2 submissions from 2 submitters: Uncertain significance (2). Last evaluated 2025-12-23.

Submissions (2):

Labcorp Genetics (formerly Invitae), Labcorp
Classification: Uncertain significance. Last evaluated: 2025-12-23. Review status: criteria provided, single submitter. Criteria: Invitae Variant Classification Sherloc (09022015). Collection method: clinical testing. Allele origin: germline.
Comment: This sequence change replaces arginine, which is basic and polar, with lysine, which is basic and polar, at codon 2949 of the MACF1 protein (p.Arg2949Lys). This variant is not present in population databases (gnomAD no frequency). This variant has not been reported in the literature in individuals affected with MACF1-related conditions. ClinVar contains an entry for this variant (Variation ID: 3251770). An algorithm developed to predict the effect of missense changes on protein structure and function (PolyPhen-2) suggests that this variant is likely to be disruptive. In summary, the available evidence is currently insufficient to determine the role of this variant in disease. Therefore, it has been classified as a Variant of Uncertain Significance.

Women's Health and Genetics/Laboratory Corporation of America, LabCorp
Classification: Uncertain significance. Last evaluated: 2024-04-23. Review status: criteria provided, single submitter. Criteria: LabCorp Variant Classification Summary - May 2015. Collection method: clinical testing. Allele origin: germline.
Comment: Variant summary: MACF1 c.8846G>A (p.Arg2949Lys) results in a conservative amino acid change in the encoded protein sequence. Four of five in-silico tools predict a benign effect of the variant on protein function. The variant was absent in 250332 control chromosomes. The available data on variant occurrences in the general population are insufficient to allow any conclusion about variant significance. To our knowledge, no occurrence of c.8846G>A in individuals affected with Lissencephaly 9 With Complex Brainstem Malformation and no experimental evidence demonstrating its impact on protein function have been reported. No submitters have cited clinical-significance assessments for this variant to ClinVar. Based on the evidence outlined above, the variant was classified as uncertain significance.